The following is an entry in ClinVar:

NM_000489.6(ATRX):c.4119G>A (p.Lys1373=)

Gene: ATRX (ATRX chromatin remodeler; minus strand). Cytogenetic location: Xq21.1.
Variant type: single nucleotide variant.
Coding change: c.4119G>A on transcript NM_000489.6 (MANE Select); coding-DNA position 4119, G replaced by A.
Protein change: p.Lys1373=; no amino-acid change (lysine 1373 retained).
Molecular consequence: synonymous variant.
Genome position (GRCh38, 1-based): chrX:77,663,383, C>T on the plus strand (G>A on the coding strand, the complement: ATRX is on the minus strand). VCF-style: chrX-77663383-C-T. GRCh37 (hg19) VCF-style: chrX-76918872-C-T.
Other names: c.4005G>A, p.Lys1335= (NM_138270.5).
Identifiers: ClinVar variation 1958956 (VCV001958956.5), dbSNP rs2148486891, ClinGen allele CA517376244.

ClinVar aggregate classification (germline): Uncertain significance (1 of 4 stars; one submission).

Conditions:
Alpha thalassemia-X-linked intellectual disability syndrome (ATRX). Also called: ALPHA-THALASSEMIA/MENTAL RETARDATION SYNDROME, X-LINKED; ATR, NONDELETION TYPE; ATR-X syndrome; Alpha thalassemia mental retardation syndrome, nondeletion type, X-linked; XLMR hypotonic face syndrome; X-linked alpha-thalassemia-mental retardation syndrome. Identifiers: Orphanet 847, MedGen C1845055, MONDO:0010519, OMIM 301040.

Allele frequency attached by ClinVar (database versions not stated): gnomAD exomes below 0.00001.
gnomAD v4.1: 2 of 1,210,540 alleles (0.00017%); highest among the groups gnomAD compares: South Asian, 0.0035%; no homozygotes.

Submission:

Labcorp Genetics (formerly Invitae), Labcorp
Classification: Uncertain significance for Alpha thalassemia-X-linked intellectual disability syndrome. Last evaluated: 2022-05-27. Review status: criteria provided, single submitter. Criteria: Invitae Variant Classification Sherloc (09022015). Collection method: clinical testing. Allele origin: germline.
Comment: In summary, the available evidence is currently insufficient to determine the role of this variant in disease. Therefore, it has been classified as a Variant of Uncertain Significance. Algorithms developed to predict the effect of sequence changes on RNA splicing suggest that this variant is not likely to affect RNA splicing. This variant has not been reported in the literature in individuals affected with ATRX-related conditions. This variant is not present in population databases (gnomAD no frequency). This sequence change affects codon 1373 of the ATRX mRNA. It is a 'silent' change, meaning that it does not change the encoded amino acid sequence of the ATRX protein. It affects a nucleotide within the consensus splice site.